The following is an entry in ClinVar:

NM_000394.4(CRYAA):c.481G>A (p.Val161Met)

Gene: CRYAA (crystallin alpha A; plus strand). Cytogenetic location: 21q22.3.
Variant type: single nucleotide variant.
Coding change: c.481G>A on transcript NM_000394.4 (MANE Select); coding-DNA position 481, G replaced by A.
Protein change: p.Val161Met; replaces valine 161 with methionine.
Molecular consequence: missense variant.
Genome position (GRCh38, 1-based): chr21:43,172,239, G>A. VCF-style: chr21-43172239-G-A. GRCh37 (hg19) VCF-style: chr21-44592349-G-A.
Other names: c.370G>A, p.Val124Met (NM_001363766.1); short protein forms V124M, V161M.
Identifiers: ClinVar variation 898796 (VCV000898796.4), dbSNP rs757584843, ClinGen allele CA321171450.

ClinVar aggregate classification (germline): Uncertain significance (1 of 4 stars; one submission).

Conditions:
Cataract 9 multiple types. Also called: Cataract 9, multiple types, with or without microcornea; Cataract, autosomal recessive congenital 1. Identifiers: Orphanet 1377, MedGen C1858679, MONDO:0011413, OMIM 604219.

Allele frequency attached by ClinVar (database versions not stated): ExAC 0.00001; gnomAD exomes 0.00003.

Submission:

Illumina Laboratory Services, Illumina
Classification: Uncertain significance for Cataract 9 multiple types. Last evaluated: 2017-06-14. Review status: criteria provided, single submitter. Criteria: ICSL Variant Classification Criteria 13 December 2019. Collection method: clinical testing. Allele origin: germline.
Comment: This variant was observed as part of a predisposition screen in an ostensibly healthy population. A literature search was performed for the gene, cDNA change, and amino acid change (where applicable). Publications were found based on this search. However, the evidence from the literature, in combination with allele frequency data from public databases where available, was not sufficient to rule this variant in or out of causing disease. Therefore, this variant is classified as a variant of unknown significance.

Literature cited by the submitters: PubMed 27307692.